The following is an entry in ClinVar:

ClinVar aggregate classification (germline): Uncertain significance (1 of 4 stars; one submission).

Conditions:
Hereditary cancer-predisposing syndrome. Also called: Neoplastic Syndromes, Hereditary; Tumor predisposition; Hereditary Cancer Syndrome; Hereditary neoplastic syndrome. Identifiers: Orphanet 140162, MedGen C0027672, MeSH D009386, MONDO:0015356.

Submission:

Ambry Genetics
Classification: Uncertain significance for Hereditary cancer-predisposing syndrome. Last evaluated: 2026-01-06. Review status: criteria provided, single submitter. Criteria: Ambry Variant Classification Scheme 2023. Collection method: clinical testing. Allele origin: germline.
Comment: The c.957_962delAGTGCC variant (also known as p.V320_P321del) is located in coding exon 8 of the STK11 gene. This variant results from an in-frame AGTGCC deletion at nucleotide positions 957 to 962. This results in the in-frame deletion of two residues (VP) at codons 320 and 321. These amino acid positions are highly conserved in available vertebrate species. In addition, this variant is predicted to be deleterious by in silico analysis (Choi Y et al. PLoS ONE. 2012; 7(10):e46688). Based on the available evidence, the clinical significance of this variant remains unclear.

NM_000455.5(STK11):c.957_962del (p.Val320_Pro321del)

Gene: STK11 (serine/threonine kinase 11; plus strand). Cytogenetic location: 19p13.3.
Variant type: Deletion.
Coding change: c.957_962del on transcript NM_000455.5 (MANE Select); coding-DNA positions 957 to 962, 6 bases deleted (AGTGCC; older notation c.957_962delAGTGCC).
Protein change: p.Val320_Pro321del.
Molecular consequence: non-coding transcript variant (on NR_176325.1).
Genome position (GRCh38, 1-based): chr19:1,223,021-1,223,026, AGTGCC deleted; deleting any 6 consecutive bases within chr19:1,223,019-1,223,026 gives the same sequence; the c. name uses the placement nearest the transcript's 3' end. VCF-style (leftmost placement, unchanged base first): chr19-1223018-ACCAGTG-A. GRCh37 (hg19) VCF-style: chr19-1223017-ACCAGTG-A.
Other names: c.957_962del, p.Val320_Pro321del (NM_001407255.1).
Identifiers: ClinVar variation 4843198 (VCV004843198.1).